The following is an entry in ClinVar:

NM_005327.7(HADH):c.696G>A (p.Arg232=)

Gene: HADH (hydroxyacyl-CoA dehydrogenase; plus strand). Cytogenetic location: 4q25.
Variant type: single nucleotide variant.
Coding change: c.696G>A on transcript NM_005327.7 (MANE Select); coding-DNA position 696, G replaced by A.
Protein change: p.Arg232=; no amino-acid change (arginine 232 retained).
Molecular consequence: synonymous variant.
Genome position (GRCh38, 1-based): chr4:108,027,747, G>A. VCF-style: chr4-108027747-G-A. GRCh37 (hg19) VCF-style: chr4-108948903-G-A.
Other names: c.696G>A, p.Arg232= (NM_001184705.4); c.708G>A, p.Arg236= (NM_001331027.2).
Identifiers: ClinVar variation 758053 (VCV000758053.9), dbSNP rs747476251, ClinGen allele CA3037550.

ClinVar aggregate classification (germline): Conflicting classifications of pathogenicity. Review status: criteria provided, conflicting classifications (1 of 4 stars). 2 submissions from 2 submitters: Uncertain significance (1); Likely benign (1). Last evaluated 2025-10-06.

Conditions:
Hyperinsulinemic hypoglycemia. Also called: Hyperinsulinemia hypoglycemia; Hyperinsulinemic hypoglycemia (disease). Identifiers: Orphanet 443095, MedGen C1864903, MONDO:0005803, HP:0000825.
Deficiency of 3-hydroxyacyl-CoA dehydrogenase. Also called: HADH DEFICIENCY; 3-hydroxyacyl-CoA dehydrogenase deficiency. Identifiers: Orphanet 309127, Orphanet 71212, MedGen C1291230, MONDO:0017715, OMIM 231530.

Allele frequency attached by ClinVar (database versions not stated): TOPMed below 0.00001; gnomAD 0.00001.
gnomAD v4.1: 3 of 1,600,760 alleles (0.00019%); highest among the groups gnomAD compares: African/African-American, 0.0013%; no homozygotes.

Submissions (2):

Labcorp Genetics (formerly Invitae), Labcorp
Classification: Likely benign for Deficiency of 3-hydroxyacyl-CoA dehydrogenase. Last evaluated: 2025-10-06. Review status: criteria provided, single submitter. Criteria: Invitae Variant Classification Sherloc (09022015). Collection method: clinical testing. Allele origin: germline.

Clinical Genomics, Uppaluri K&H Personalized Medicine Clinic
Classification: Uncertain significance for Hyperinsulinemic hypoglycemia. Review status: criteria provided, single submitter. Criteria: K & H Uppaluri Personalized Medicine Clinic Variant Classification & Assertion Criteria_Updated V.1. Collection method: research. Allele origin: unknown. Inheritance: Autosomal recessive inheritance.
Comment: Potent mutations in HADH gene are associated with congenital hyperinsulinism, which leads to recurrent hypoglycemia. The condition is exacerbated by stress, fasting or excessive dietary protein. May respond well to diazoxide. However, the role of this particular variant rs747476251 in congenital hyperinsulinism is yet to be ascertained.

Literature cited by the submitters: PubMed 34547194 (cited by Clinical Genomics, Uppaluri K&H Personalized Medicine Clinic); PubMed 34055426 (cited by Clinical Genomics, Uppaluri K&H Personalized Medicine Clinic); PubMed 29280746 (cited by Clinical Genomics, Uppaluri K&H Personalized Medicine Clinic).